The following is an entry in ClinVar:

NM_007294.4(BRCA1):c.5467+7T>A

Gene: BRCA1 (BRCA1 DNA repair associated; minus strand). Cytogenetic location: 17q21.31.
Variant type: single nucleotide variant.
Coding change: c.5467+7T>A on transcript NM_007294.4 (MANE Select); 7 bases into the intron after coding-DNA position 5467, T replaced by A.
Molecular consequence: intron variant.
Genome position (GRCh38, 1-based): chr17:43,047,636, A>T on the plus strand (T>A on the coding strand, the complement: BRCA1 is on the minus strand). VCF-style: chr17-43047636-A-T. GRCh37 (hg19) VCF-style: chr17-41199653-A-T.
Other names: c.5527+7T>A (NM_001407590.1, NM_001407591.1); c.2032+7T>A (NM_001408443.1, NM_001408439.1, NM_001408434.1 and 10 more transcripts); c.2035+7T>A (NM_001408425.1, NM_001408428.1, NM_001408429.1 and 4 more transcripts); c.5338+7T>A (NM_001407681.1, NM_001407687.1, NM_001407683.1 and 6 more transcripts); c.5341+7T>A (NM_001407675.1, NM_001407680.1, NM_001407672.1 and 8 more transcripts); c.5344+7T>A (NM_001407664.1, NM_001407666.1, NM_001407669.1 and 3 more transcripts); c.5410+7T>A (NM_001407648.1); c.2041+7T>A (NM_001408419.1, NM_001408418.1, NM_001408420.1); and 83 more.
Identifiers: ClinVar variation 867540 (VCV000867540.3), dbSNP rs2050973951, ClinGen allele CA916080764.

Conditions:
Breast-ovarian cancer, familial, susceptibility to, 1 (BROVCA1). Also called: BRCA1 Hereditary Breast and Ovarian Cancer; OVARIAN CANCER, SUSCEPTIBILITY TO. Identifiers: Orphanet 145, MedGen C2676676, MONDO:0011450, OMIM 604370. Disease mechanism: loss of function.

Submission:

Brotman Baty Institute, University of Washington
No classification provided (evidence only). Condition: Breast-ovarian cancer, familial 1. Review status: no classification provided. Collection method: in vitro. Allele origin: not applicable. Functional consequence: functionally_normal.
ClinVar note: "not provided" was previously submitted as the classification for the variant. However, the classification appeared to be based only on an observation of functional data so it was converted to no classification on 2025-07-30.